The following is an entry in ClinVar:

ClinVar aggregate classification (germline): Uncertain significance (1 of 4 stars; one submission).

Submission:

GeneDx
Classification: Uncertain significance. Last evaluated: 2024-12-04. Review status: criteria provided, single submitter. Criteria: GeneDx Variant Classification Process June 2021. Collection method: clinical testing. Allele origin: germline. Affected: yes.
Comment: Not observed at significant frequency in large population cohorts (gnomAD); In silico analysis indicates that this missense variant does not alter protein structure/function; Has not been previously published as pathogenic or benign to our knowledge

NM_015898.4(ZBTB7A):c.701G>C (p.Gly234Ala)

Gene: ZBTB7A (zinc finger and BTB domain containing 7A; minus strand). Cytogenetic location: 19p13.3.
Variant type: single nucleotide variant.
Coding change: c.701G>C on transcript NM_015898.4 (MANE Select); coding-DNA position 701, G replaced by C.
Protein change: p.Gly234Ala; replaces glycine 234 with alanine.
Molecular consequence: missense variant.
Genome position (GRCh38, 1-based): chr19:4,054,532, C>G on the plus strand (G>C on the coding strand, the complement: ZBTB7A is on the minus strand). VCF-style: chr19-4054532-C-G. GRCh37 (hg19) VCF-style: chr19-4054530-C-G.
Other names: c.701G>C, p.Gly234Ala (NM_001317990.2); short protein forms G234A.
Identifiers: ClinVar variation 3901697 (VCV003901697.1).
Genomic context (GRCh38, chr19:4,054,532, plus strand): 5'-CCGGTGGGGGCGTCCTCATCCCGCTCTGGCCACAGACCCGGGTTGCTGTCGCCCTCGTCC[C>G]CGTCCCCCGTCGGGGGCCGCTCGGCCGGGGGGCCCGGCCCATAGAAGTCTAAGCCGTTGC-3'
Protein context (NP_056982.1, residues 224-244): PPAERPPTGD[Gly234Ala]DEGDSNPGLW